The following is an entry in ClinVar:

ClinVar aggregate classification (germline): Pathogenic/Likely pathogenic. Review status: criteria provided, multiple submitters, no conflicts (2 of 4 stars). 6 submissions from 6 submitters: Pathogenic (4); Likely pathogenic (1). 1 of the submissions does not count toward it. Last evaluated 2025-10-20.

Conditions:
COQ4-related disorder. Also called: COQ4-related condition.
Neonatal encephalomyopathy-cardiomyopathy-respiratory distress syndrome. Also called: Coenzyme Q10 deficiency, primary, 7. Identifiers: Orphanet 457185, MedGen C5568562, MONDO:0014562, OMIM 616276.
Spastic ataxia 10, autosomal recessive (SPAX10). Identifiers: MedGen C5882738, MONDO:0958009, OMIM 620666.

Allele frequency attached by ClinVar (database versions not stated): TOPMed 0.00004.

Submissions (6):

Labcorp Genetics (formerly Invitae), Labcorp
Classification: Pathogenic for Neonatal encephalomyopathy-cardiomyopathy-respiratory distress syndrome. Last evaluated: 2025-10-20. Review status: criteria provided, single submitter. Criteria: Invitae Variant Classification Sherloc (09022015). Collection method: clinical testing. Allele origin: germline.
Comment: This sequence change affects a donor splice site in intron 4 of the COQ4 gene. It is expected to disrupt RNA splicing. Variants that disrupt the donor or acceptor splice site typically lead to a loss of protein function (PMID: 16199547), and loss-of-function variants in COQ4 are known to be pathogenic (PMID: 25658047). This variant is present in population databases (rs747779231, gnomAD 0.02%). Disruption of this splice site has been observed in individual(s) with primary coenzyme Q10 deficiency (PMID: 31396399). In at least one individual the data is consistent with being in trans (on the opposite chromosome) from a pathogenic variant. It has also been observed to segregate with disease in related individuals. ClinVar contains an entry for this variant (Variation ID: 379740). Algorithms developed to predict the effect of sequence changes on RNA splicing suggest that this variant may disrupt the consensus splice site. For these reasons, this variant has been classified as Pathogenic.

PreventionGenetics, part of Exact Sciences
Classification: Likely pathogenic for COQ4-related condition. Last evaluated: 2023-07-20. Review status: criteria provided, single submitter. Criteria: ACMG Guidelines, 2015. Collection method: clinical testing. Allele origin: germline.
Comment: The COQ4 c.402+1G>C variant is predicted to disrupt the GT donor site and interfere with normal splicing. This variant is predicted to remove a canonical splice donor site (Alamut Visual Plus v1.6.1). This variant was reported in the compound heterozygous and presumed compound heterozygous states in individuals with primary coenzyme Q10 deficiency-7 (Yu et al. 2019. PubMed ID: 31396399; Tsang et al. 2020. PubMed ID: 32907636). This variant is reported in 0.027% of alleles in individuals of East Asian descent in gnomAD. This variant is interpreted as likely pathogenic.

Department of Paediatrics and Adolescent Medicine, The University of Hong Kong
Classification: Pathogenic for Neonatal encephalomyopathy-cardiomyopathy-respiratory distress syndrome. Last evaluated: 2019-05-01. Review status: criteria provided, single submitter. Criteria: ACMG Guidelines, 2015. Collection method: research. Allele origin: unknown. Inheritance: Autosomal recessive inheritance. Affected: yes.

GeneDx
Classification: Pathogenic. Last evaluated: 2015-05-21. Review status: criteria provided, single submitter. Criteria: GeneDx Variant Classification (06012015). Collection method: clinical testing. Allele origin: germline. Affected: yes.
Comment: The c.402+1G>C variant in the COQ4 gene has not been reported previously as a pathogenic variant nor as a benign polymorphism, to our knowledge. This splice site variant destroys the canonicalsplice donor site in intron 4. It is predicted to cause abnormal gene splicing, either leading to an abnormalmessage that is subject to nonsense-mediated mRNA decay, or to an abnormal protein product if themessage is used for protein translation. The c.402+1G>C variant was not observed in approximately6500 individuals of European and African American ancestry in the NHLBI Exome Sequencing Project,indicating it is not a common benign variant in these populations. We interpret c.402+1G>C as a pathogenic variant.

Juno Genomics, Hangzhou Juno Genomics, Inc
Classification: Pathogenic for Spastic ataxia 10, autosomal recessive; Neonatal encephalomyopathy-cardiomyopathy-respiratory distress syndrome. Review status: criteria provided, single submitter. Criteria: ACMG Guidelines, 2015. Collection method: clinical testing. Allele origin: germline. Affected: yes.
Comment: Absent from controls (or at extremely low frequency if recessive) in Genome Aggregation Database, Exome Sequencing Project, 1000 Genomes Project, or Exome Aggregation Consortium.;Null variant in a gene where loss of function (LOF) is a known mechanism of disease.;For recessive disorders, detected in trans with a pathogenic variant.;Co-segregation with disease in multiple affected family members in a gene definitively known to cause the disease.

OMIM
Classification: Pathogenic for SPASTIC ATAXIA 10, AUTOSOMAL RECESSIVE. Last evaluated: 2024-02-15. Review status: no assertion criteria provided. Collection method: literature only. Allele origin: germline. Not counted in ClinVar's aggregate classification.

Literature cited by the submitters: PubMed 16199547 (cited by Labcorp Genetics (formerly Invitae), Labcorp); PubMed 25658047 (cited by Labcorp Genetics (formerly Invitae), Labcorp); PubMed 31396399 (cited by Labcorp Genetics (formerly Invitae), Labcorp); PubMed 38014483 (cited by OMIM).

NM_016035.5(COQ4):c.402+1G>C

Gene: COQ4 (coenzyme Q4; plus strand). Cytogenetic location: 9q34.11.
Variant type: single nucleotide variant.
Coding change: c.402+1G>C on transcript NM_016035.5 (MANE Select); the canonical splice donor site of the intron after coding-DNA position 402, G replaced by C.
Molecular consequence: splice donor variant.
Genome position (GRCh38, 1-based): chr9:128,325,882, G>C. VCF-style: chr9-128325882-G-C. GRCh37 (hg19) VCF-style: chr9-131088161-G-C.
Other names: IVS4DS, G-C, +1; c.*2+1G>C (NM_001305942.2); c.402+1G>C (NM_016035.4).
Identifiers: ClinVar variation 379740 (VCV000379740.9), dbSNP rs747779231, ClinGen allele CA5260544.